The following is an entry in ClinVar:

ClinVar aggregate classification (germline): Uncertain significance. Review status: criteria provided, multiple submitters, no conflicts (2 of 4 stars). 6 submissions from 6 submitters: Uncertain significance (5). 1 of the submissions does not count toward it. Last evaluated 2026-03-01.

Conditions:
GRN-related frontotemporal lobar degeneration with Tdp43 inclusions (FTD2). Also called: GRN Frontotemporal Dementia; FRONTOTEMPORAL LOBAR DEGENERATION WITH UBIQUITIN-POSITIVE INCLUSIONS; FTLD-TDP, GRN-RELATED; FRONTOTEMPORAL DEMENTIA WITH TDP43 INCLUSIONS, GRN-RELATED; DEMENTIA, HEREDITARY DYSPHASIC DISINHIBITION. Identifiers: Orphanet 100070, Orphanet 282, MedGen C1843792, MONDO:0011842, OMIM 607485. Disease mechanism: loss of function.
Neuronal ceroid lipofuscinosis 11. Also called: GRN-Related Neuronal Ceroid-Lipofuscinosis. Identifiers: Orphanet 314629, Orphanet 79262, MedGen C3539123, MONDO:0013866, OMIM 614706.

Allele frequency attached by ClinVar (database versions not stated): TOPMed 0.00002; gnomAD exomes 0.00003 and 0.00005; ExAC 0.00005; gnomAD 0.00002.
gnomAD v4.1: 49 of 1,612,952 alleles (0.003%); highest among the groups gnomAD compares: Non-Finnish European, 0.0035%; no homozygotes.

Submissions (6):

CeGaT Center for Human Genetics Tuebingen
Classification: Uncertain significance. Last evaluated: 2026-03-01. Review status: criteria provided, single submitter. Criteria: CeGaT Center For Human Genetics Tuebingen Variant Classification Criteria Version 2. Collection method: clinical testing. Allele origin: germline. Affected: yes. Observed: 4 variant alleles.
Comment: GRN: PM2, BP4

Labcorp Genetics (formerly Invitae), Labcorp
Classification: Uncertain significance for Neuronal ceroid lipofuscinosis 11; GRN-related frontotemporal lobar degeneration with Tdp43 inclusions. Last evaluated: 2025-04-29. Review status: criteria provided, single submitter. Criteria: Invitae Variant Classification Sherloc (09022015). Collection method: clinical testing. Allele origin: germline.
Comment: This sequence change replaces proline, which is neutral and non-polar, with leucine, which is neutral and non-polar, at codon 458 of the GRN protein (p.Pro458Leu). This variant is present in population databases (rs63750537, gnomAD 0.009%). This missense change has been observed in individual(s) with autosomal dominant frontotemporal dementia and/or clinical features of GRN-related conditions (PMID: 23990795, 30279455). ClinVar contains an entry for this variant (Variation ID: 98182). Invitae Evidence Modeling of protein sequence and biophysical properties (such as structural, functional, and spatial information, amino acid conservation, physicochemical variation, residue mobility, and thermodynamic stability) has been performed for this missense variant. However, the output from this modeling did not meet the statistical confidence thresholds required to predict the impact of this variant on GRN protein function. In summary, the available evidence is currently insufficient to determine the role of this variant in disease. Therefore, it has been classified as a Variant of Uncertain Significance.

GeneDx
Classification: Uncertain significance. Last evaluated: 2022-07-08. Review status: criteria provided, single submitter. Criteria: GeneDx Variant Classification Process June 2021. Collection method: clinical testing. Allele origin: germline. Affected: yes.
Comment: Reported previously in one individual from a cohort with an amyotrophic lateral sclerosis/frontotemporal dementia phenotype; this variant was also observed in numerous individuals in the control group in this study and thus has been listed as non-pathogenic in the Alzheimer disease and frontotemporal dementia mutation database (Schymic et al., 2007; Cruts et al., 2012); In silico analysis supports that this missense variant has a deleterious effect on protein structure/function; This variant is associated with the following publications: (PMID: 22581678, 23990795, 30279455, 17371905)

Fulgent Genetics
Classification: Uncertain significance for GRN-related frontotemporal lobar degeneration with Tdp43 inclusions; Neuronal ceroid lipofuscinosis 11. Last evaluated: 2021-12-07. Review status: criteria provided, single submitter. Criteria: ACMG Guidelines, 2015. Collection method: clinical testing. Allele origin: unknown.

Illumina Laboratory Services, Illumina
Classification: Uncertain significance for GRN-related frontotemporal lobar degeneration with Tdp43 inclusions. Last evaluated: 2017-04-28. Review status: criteria provided, single submitter. Criteria: ICSL Variant Classification Criteria 13 December 2019. Collection method: clinical testing. Allele origin: germline.

VIB  Department of Molecular Genetics, University of Antwerp
No classification provided. Review status: no classification provided. Collection method: not provided. Allele origin: unknown. Not counted in ClinVar's aggregate classification.

Literature cited by the submitters: PubMed 23990795 (cited by Labcorp Genetics (formerly Invitae), Labcorp); PubMed 30279455 (cited by Labcorp Genetics (formerly Invitae), Labcorp).

NM_002087.4(GRN):c.1373C>T (p.Pro458Leu)

Gene: GRN (granulin precursor; plus strand). Cytogenetic location: 17q21.31.
Variant type: single nucleotide variant.
Coding change: c.1373C>T on transcript NM_002087.4 (MANE Select); coding-DNA position 1373, C replaced by T.
Protein change: p.Pro458Leu; replaces proline 458 with leucine.
Molecular consequence: missense variant.
Genome position (GRCh38, 1-based): chr17:44,352,208, C>T. VCF-style: chr17-44352208-C-T. GRCh37 (hg19) VCF-style: chr17-42429576-C-T.
Other names: short protein forms P458L.
Identifiers: ClinVar variation 98182 (VCV000098182.36), dbSNP rs63750537, ClinGen allele CA225342.
Genomic context (GRCh38, chr17:44,352,208, plus strand): 5'-ACCCCAGAGACATCGGCTGTGACCAGCACACCAGCTGCCCGGTGGGGCAGACCTGCTGCC[C>T]GAGCCTGGGTGGGAGCTGGGCCTGCTGCCAGTTGCCCCATGTGAGTGCCTCCCTGCCTGC-3'
Protein context (NP_002078.1, residues 448-468): TSCPVGQTCC[Pro458Leu]SLGGSWACCQ